The following is an entry in ClinVar:

NM_018451.5(CPAP):c.2635T>G (p.Ser879Ala)

Gene: CPAP (centrosome assembly and centriole elongation protein; minus strand). Cytogenetic location: 13q12.13.
Variant type: single nucleotide variant.
Coding change: c.2635T>G on transcript NM_018451.5 (MANE Select); coding-DNA position 2635, T replaced by G.
Protein change: p.Ser879Ala; replaces serine 879 with alanine.
Molecular consequence: missense variant. On other transcripts: non-coding transcript variant (2).
Genome position (GRCh38, 1-based): chr13:24,905,403, A>C on the plus strand (T>G on the coding strand, the complement: CPAP is on the minus strand). VCF-style: chr13-24905403-A-C. GRCh37 (hg19) VCF-style: chr13-25479541-A-C.
Other names: short protein forms S879A.
Identifiers: ClinVar variation 21661 (VCV000021661.25), dbSNP rs17402892, ClinGen allele CA171686.

ClinVar aggregate classification (germline): Benign. Review status: criteria provided, multiple submitters, no conflicts (2 of 4 stars). 11 submissions from 10 submitters: Benign (8). 3 of the submissions do not count toward it. Last evaluated 2026-02-02.

Conditions:
Seckel syndrome 4 (SCKL4). Identifiers: Orphanet 808, MedGen C3888212, MONDO:0013358, OMIM 613676.
Microcephaly 6, primary, autosomal recessive. Identifiers: Orphanet 2512, MedGen C1842109, MONDO:0012029, OMIM 608393.

Allele frequency attached by ClinVar (database versions not stated): 1000 Genomes Project 30x 0.06027; 1000 Genomes Project 0.06110; TOPMed 0.09495; gnomAD 0.09951 and 0.10073; ESP Exome Variant Server 0.10557; ExAC 0.10940; gnomAD exomes 0.11011 and 0.13158.
gnomAD v4.1: 206,594 of 1,613,748 alleles (13%); highest among the groups gnomAD compares: Non-Finnish European, 14%; 14,414 homozygotes.

Submissions (11):

Labcorp Genetics (formerly Invitae), Labcorp
Classification: Benign. Last evaluated: 2026-02-02. Review status: criteria provided, single submitter. Criteria: Invitae Variant Classification Sherloc (09022015). Collection method: clinical testing. Allele origin: germline.

Illumina Laboratory Services, Illumina
Classification: Benign for Seckel syndrome 4. Last evaluated: 2018-01-12. Review status: criteria provided, single submitter. Criteria: ICSL Variant Classification Criteria 13 December 2019. Collection method: clinical testing. Allele origin: germline.
Comment: This variant was observed in the ICSL laboratory as part of a predisposition screen in an ostensibly healthy population. It had not been previously curated by ICSL or reported in the Human Gene Mutation Database (HGMD: prior to June 1st, 2018), and was therefore a candidate for classification through an automated scoring system. Utilizing variant allele frequency, disease prevalence and penetrance estimates, and inheritance mode, an automated score was calculated to assess if this variant is too frequent to cause the disease. Based on the score and internal cut-off values, a variant classified as benign is not then subjected to further curation. The score for this variant resulted in a classification of benign for this disease.

Illumina Laboratory Services, Illumina
Classification: Benign for Microcephaly 6, primary, autosomal recessive. Last evaluated: 2018-01-12. Review status: criteria provided, single submitter. Criteria: ICSL Variant Classification Criteria 13 December 2019. Collection method: clinical testing. Allele origin: germline.
Comment: the same text as in the submission from Illumina Laboratory Services, Illumina above.

Athena Diagnostics
Classification: Benign. Last evaluated: 2017-04-20. Review status: criteria provided, single submitter. Criteria: Athena Diagnostics Criteria. Collection method: clinical testing. Allele origin: germline.

GeneDx
Classification: Benign. Last evaluated: 2015-03-03. Review status: criteria provided, single submitter. Criteria: GeneDx Variant Classification Process June 2021. Collection method: clinical testing. Allele origin: germline. Affected: yes.

Genetic Services Laboratory, University of Chicago
Classification: Benign. Last evaluated: 2013-02-08. Review status: criteria provided, single submitter. Criteria: ACMG Guidelines, 2007. Collection method: clinical testing. Allele origin: germline. Inheritance: Autosomal recessive inheritance.

Breakthrough Genomics
Classification: Benign. Review status: criteria provided, single submitter. Criteria: ACMG Guidelines, 2015. Collection method: not provided. Allele origin: germline. Inheritance: Autosomal recessive inheritance. Affected: yes.

PreventionGenetics, part of Exact Sciences
Classification: Benign. Review status: criteria provided, single submitter. Criteria: ACMG Guidelines, 2015. Collection method: clinical testing. Allele origin: germline.

Clinical Genetics DNA and cytogenetics Diagnostics Lab, Erasmus MC, Erasmus Medical Center
Classification: Benign. Review status: no assertion criteria provided. Collection method: clinical testing. Allele origin: germline. Affected: yes. Study: VKGL Data-share Consensus. Not counted in ClinVar's aggregate classification.

GeneReviews
No classification provided. Condition: Microcephaly 6, primary, autosomal recessive. Review status: no classification provided. Collection method: literature only. Allele origin: unknown. Not counted in ClinVar's aggregate classification.

Joint Genome Diagnostic Labs from Nijmegen and Maastricht, Radboudumc and MUMC+
Classification: Benign. Review status: no assertion criteria provided. Collection method: clinical testing. Allele origin: germline. Affected: yes. Study: VKGL Data-share Consensus. Not counted in ClinVar's aggregate classification.

Literature cited by the submitters: PubMed 20301772 (cited by GeneReviews); NCBI Bookshelf NBK9587 (cited by GeneReviews).